The following is an entry in ClinVar:

ClinVar aggregate classification (germline): Uncertain significance (1 of 4 stars; one submission).

gnomAD v4.1: 1 of 1,612,860 alleles (0.000062%); highest among the groups gnomAD compares: Non-Finnish European, 0.000085%; no homozygotes.

Submission:

Centre for Mendelian Genomics, University Medical Centre Ljubljana
Classification: Uncertain significance. Last evaluated: 2018-10-10. Review status: criteria provided, single submitter. Criteria: ACMG Guidelines, 2015. Collection method: clinical testing. Allele origin: unknown. Affected: yes.
Comment: This variant was classified as: Uncertain significance. The available evidence on this variant's pathogenicity is insufficient or conflicting. The following ACMG criteria were applied in classifying this variant: PM2,PP3.

NM_001416.4(EIF4A1):c.769-8A>G

Genes: EIF4A1 (eukaryotic translation initiation factor 4A1; plus strand), SENP3-EIF4A1 (SENP3-EIF4A1 readthrough (NMD candidate); plus strand). Cytogenetic location: 17p13.1.
Variant type: single nucleotide variant.
Coding change: c.769-8A>G on transcript NM_001416.4 (MANE Select); 8 bases into the intron before coding-DNA position 769, A replaced by G.
Molecular consequence: intron variant.
Genome position (GRCh38, 1-based): chr17:7,577,561, A>G. VCF-style: chr17-7577561-A-G. GRCh37 (hg19) VCF-style: chr17-7480879-A-G.
Other names: c.769-8A>G (NM_001204510.2).
Identifiers: ClinVar variation 930978 (VCV000930978.3), dbSNP rs373864323, ClinGen allele CA1139665166.